The following is an entry in ClinVar:

NM_020937.4(FANCM):c.5672T>C (p.Phe1891Ser)

Gene: FANCM (FA complementation group M; plus strand). Cytogenetic location: 14q21.2.
Variant type: single nucleotide variant.
Coding change: c.5672T>C on transcript NM_020937.4 (MANE Select); coding-DNA position 5672, T replaced by C.
Protein change: p.Phe1891Ser; replaces phenylalanine 1891 with serine.
Molecular consequence: missense variant.
Genome position (GRCh38, 1-based): chr14:45,196,503, T>C. VCF-style: chr14-45196503-T-C. GRCh37 (hg19) VCF-style: chr14-45665706-T-C.
Other names: c.5594T>C, p.Phe1865Ser (NM_001308133.2); short protein forms F1865S, F1891S.
Identifiers: ClinVar variation 958582 (VCV000958582.9), dbSNP rs1890067683, ClinGen allele CA389586390.

ClinVar aggregate classification (germline): Uncertain significance (1 of 4 stars; one submission).

Conditions:
Fanconi anemia (FA). Also called: Fanconi's anemia. Identifiers: Orphanet 84, MedGen C0015625, MeSH D005199, MONDO:0019391.

Allele frequency attached by ClinVar (database versions not stated): gnomAD exomes below 0.00001.
gnomAD v4.1: 1 of 1,614,116 alleles (0.000062%); highest among the groups gnomAD compares: Non-Finnish European, 0.000085%; no homozygotes.

Submission:

Labcorp Genetics (formerly Invitae), Labcorp
Classification: Uncertain significance for Fanconi anemia. Last evaluated: 2019-08-03. Review status: criteria provided, single submitter. Criteria: Invitae Variant Classification Sherloc (09022015). Collection method: clinical testing. Allele origin: germline.
Comment: In summary, the available evidence is currently insufficient to determine the role of this variant in disease. Therefore, it has been classified as a Variant of Uncertain Significance. Algorithms developed to predict the effect of missense changes on protein structure and function are either unavailable or do not agree on the potential impact of this missense change (SIFT: "Deleterious"; PolyPhen-2: "Probably Damaging"; Align-GVGD: "Class C0"). This variant has not been reported in the literature in individuals with FANCM-related conditions. This variant is not present in population databases (ExAC no frequency). This sequence change replaces phenylalanine with serine at codon 1891 of the FANCM protein (p.Phe1891Ser). The phenylalanine residue is highly conserved and there is a large physicochemical difference between phenylalanine and serine.